The following is an entry in ClinVar:

NM_004656.4(BAP1):c.1748C>G (p.Ser583Trp)

Gene: BAP1 (BRCA1 associated deubiquitinase 1; minus strand). Cytogenetic location: 3p21.1.
Variant type: single nucleotide variant.
Coding change: c.1748C>G on transcript NM_004656.4 (MANE Select); coding-DNA position 1748, C replaced by G.
Protein change: p.Ser583Trp; replaces serine 583 with tryptophan.
Molecular consequence: missense variant.
Genome position (GRCh38, 1-based): chr3:52,403,280, G>C on the plus strand (C>G on the coding strand, the complement: BAP1 is on the minus strand). VCF-style: chr3-52403280-G-C. GRCh37 (hg19) VCF-style: chr3-52437296-G-C.
Other names: c.1694C>G, p.Ser565Trp (NM_001410772.1); short protein forms S565W, S583W.
Identifiers: ClinVar variation 3260372 (VCV003260372.1).

ClinVar aggregate classification (germline): Uncertain significance (1 of 4 stars; one submission).

Conditions:
Hereditary cancer-predisposing syndrome. Also called: Hereditary Cancer Syndrome; Tumor predisposition; Hereditary neoplastic syndrome; Neoplastic Syndromes, Hereditary. Identifiers: Orphanet 140162, MedGen C0027672, MeSH D009386, MONDO:0015356.

Submission:

Ambry Genetics
Classification: Uncertain significance for Hereditary cancer-predisposing syndrome. Last evaluated: 2024-03-21. Review status: criteria provided, single submitter. Criteria: Ambry Variant Classification Scheme 2023. Collection method: clinical testing. Allele origin: germline.
Comment: The p.S583W variant (also known as c.1748C>G), located in coding exon 14 of the BAP1 gene, results from a C to G substitution at nucleotide position 1748. The serine at codon 583 is replaced by tryptophan, an amino acid with highly dissimilar properties. This amino acid position is conserved. In addition, this alteration is predicted to be tolerated by in silico analysis. Based on the available evidence, the clinical significance of this alteration remains unclear.